The following is an entry in ClinVar:

NM_004006.3(DMD):c.5707C>G (p.Leu1903Val)

Gene: DMD (dystrophin; minus strand). Cytogenetic location: Xp21.1.
Variant type: single nucleotide variant.
Coding change: c.5707C>G on transcript NM_004006.3 (MANE Select); coding-DNA position 5707, C replaced by G.
Protein change: p.Leu1903Val; replaces leucine 1903 with valine.
Molecular consequence: missense variant.
Genome position (GRCh38, 1-based): chrX:32,343,166, G>C on the plus strand (C>G on the coding strand, the complement: DMD is on the minus strand). VCF-style: chrX-32343166-G-C. GRCh37 (hg19) VCF-style: chrX-32361283-G-C.
Other names: c.5683C>G, p.Leu1895Val (NM_000109.4); c.5695C>G, p.Leu1899Val (NM_004009.3); c.5338C>G, p.Leu1780Val (NM_004010.3); c.1684C>G, p.Leu562Val (NM_004011.4); c.1675C>G, p.Leu559Val (NM_004012.4); short protein forms L1780V, L1895V, L1899V, L1903V, L559V, L562V.
Identifiers: ClinVar variation 3223658 (VCV003223658.3), dbSNP rs370969622, ClinGen allele CA10378617.

ClinVar aggregate classification (germline): Uncertain significance. Review status: criteria provided, multiple submitters, no conflicts (2 of 4 stars). 2 submissions from 2 submitters: Uncertain significance (2). Last evaluated 2024-10-06.

Conditions:
Duchenne muscular dystrophy (DMD). Also called: MUSCULAR DYSTROPHY, PSEUDOHYPERTROPHIC PROGRESSIVE, DUCHENNE TYPE; Duchenne Muscular Dystrophy (DMD). Identifiers: Orphanet 98896, MedGen C0013264, MONDO:0010679, OMIM 310200.
Cardiovascular phenotype. Identifiers: MedGen CN230736.

Allele frequency attached by ClinVar (database versions not stated): TOPMed below 0.00001; ExAC 0.00001; ESP Exome Variant Server 0.00009.

Submissions (2):

Labcorp Genetics (formerly Invitae), Labcorp
Classification: Uncertain significance for Duchenne muscular dystrophy. Last evaluated: 2024-10-06. Review status: criteria provided, single submitter. Criteria: Invitae Variant Classification Sherloc (09022015). Collection method: clinical testing. Allele origin: germline.
Comment: This sequence change replaces leucine, which is neutral and non-polar, with valine, which is neutral and non-polar, at codon 1903 of the DMD protein (p.Leu1903Val). This variant is present in population databases (rs370969622, gnomAD 0.008%). This variant has not been reported in the literature in individuals affected with DMD-related conditions. Invitae Evidence Modeling of protein sequence and biophysical properties (such as structural, functional, and spatial information, amino acid conservation, physicochemical variation, residue mobility, and thermodynamic stability) indicates that this missense variant is not expected to disrupt DMD protein function with a negative predictive value of 95%. In summary, the available evidence is currently insufficient to determine the role of this variant in disease. Therefore, it has been classified as a Variant of Uncertain Significance.

Ambry Genetics
Classification: Uncertain significance for Cardiovascular phenotype. Last evaluated: 2024-01-16. Review status: criteria provided, single submitter. Criteria: Ambry Variant Classification Scheme 2023. Collection method: clinical testing. Allele origin: germline.
Comment: The p.L1903V variant (also known as c.5707C>G), located in coding exon 40 of the DMD gene, results from a C to G substitution at nucleotide position 5707. The leucine at codon 1903 is replaced by valine, an amino acid with highly similar properties. Based on data from gnomAD, the X allele has an overall frequency of <0.01% (1/183020) total alleles studied, with 1 hemizygote observed. The highest observed frequency was <0.01% (1/13154) of African alleles. This amino acid position is highly conserved in available vertebrate species. In addition, this alteration is predicted to be tolerated by in silico analysis. Since supporting evidence is limited at this time, the clinical significance of this alteration remains unclear.